The following is an entry in ClinVar:

NM_015978.3(TNNI3K):c.505A>T (p.Thr169Ser)

Genes: FPGT-TNNI3K (FPGT-TNNI3K readthrough; plus strand), TNNI3K (TNNI3 interacting kinase; plus strand). Cytogenetic location: 1p31.1.
Variant type: single nucleotide variant.
Coding change: c.505A>T on transcript NM_015978.3 (MANE Select); coding-DNA position 505, A replaced by T.
Protein change: p.Thr169Ser; replaces threonine 169 with serine.
Molecular consequence: missense variant.
Genome position (GRCh38, 1-based): chr1:74,331,510, A>T. VCF-style: chr1-74331510-A-T. GRCh37 (hg19) VCF-style: chr1-74797194-A-T.
Other names: c.808A>T, p.Thr270Ser (NM_001112808.3, NM_001199327.2); short protein forms T169S, T270S.
Identifiers: ClinVar variation 2088900 (VCV002088900.4), dbSNP rs974255906, ClinGen allele CA24515672.

ClinVar aggregate classification (germline): Uncertain significance (1 of 4 stars; one submission).

Submission:

Labcorp Genetics (formerly Invitae), Labcorp
Classification: Uncertain significance. Last evaluated: 2022-10-04. Review status: criteria provided, single submitter. Criteria: Invitae Variant Classification Sherloc (09022015). Collection method: clinical testing. Allele origin: germline.
Comment: This variant is not present in population databases (gnomAD no frequency). This sequence change replaces threonine, which is neutral and polar, with serine, which is neutral and polar, at codon 169 of the TNNI3K protein (p.Thr169Ser). This variant has not been reported in the literature in individuals affected with TNNI3K-related conditions. In summary, the available evidence is currently insufficient to determine the role of this variant in disease. Therefore, it has been classified as a Variant of Uncertain Significance. Advanced modeling of protein sequence and biophysical properties (such as structural, functional, and spatial information, amino acid conservation, physicochemical variation, residue mobility, and thermodynamic stability) performed at Invitae indicates that this missense variant is not expected to disrupt TNNI3K protein function.